The following is an entry in ClinVar:

NC_000017.11:g.(43051118_43057051)_(43063952_43067607)dup

Gene: BRCA1 (BRCA1 DNA repair associated; minus strand). Cytogenetic location: 17q21.31.
Variant type: Duplication.
Identifiers: ClinVar variation 981964 (VCV000981964.2).

ClinVar aggregate classification (germline): Pathogenic (1 of 4 stars; one submission).

Conditions:
Hereditary breast ovarian cancer syndrome. Also called: Hereditary breast and ovarian cancer syndrome; Hereditary breast and/or ovarian cancer syndrome; Hereditary breast and ovarian cancer syndrome (HBOC); Hereditary breast and ovarian cancer; Breast and ovarian cancer; BRCA1- and BRCA2-Associated Hereditary Breast and Ovarian Cancer. Identifiers: Orphanet 145, MedGen C0677776, MeSH D061325, MONDO:0003582. Disease mechanism: loss of function.

Submission:

Women's Health and Genetics/Laboratory Corporation of America, LabCorp
Classification: Pathogenic for Hereditary breast ovarian cancer syndrome. Last evaluated: 2025-03-07. Review status: criteria provided, single submitter. Criteria: LabCorp Variant Classification Summary - May 2015. Collection method: clinical testing. Allele origin: germline.
Comment: Variant summary: The variant involves the duplication of exons 17-19 (legacy 18-20) in the BRCA1 gene. A presumed nomenclature of c.(5074+1_5075-1)_(5277+1_5278-1)dup has been designated for the purposes of this classification. It is assumed to be a tandem duplication in direct orientation (PMIDs: 25640679, 30054569). This Copy Number Variant (CNV) is expected to alter the reading frame and predicted to result in a truncation or absence of the encoded protein due to nonsense mediated decay (NMD). The variant was absent in 21694 control chromosomes. Similar duplications have been reported in the literature in multiple individuals affected with Hereditary Breast and Ovarian Cancer (Casilli 2002, Gad 2002, Zick 2015, Staaf 2008, Richardson 2018). These data indicate that the variant is very likely to be associated with disease. To our knowledge, no experimental evidence demonstrating an impact on protein function has been reported. The following publications have been ascertained in the context of this evaluation (PMID: 12203994, 22473970, 12360411, 30054569, 20232141, 18330910). ClinVar contains an entry for this variant (Variation ID: 583511). Based on the evidence outlined above, the variant was classified as pathogenic.

Literature cited by the submitters: PubMed 20232141; PubMed 12360411; PubMed 18330910; PubMed 12203994; PubMed 30054569; PubMed 22473970.